The following is an entry in ClinVar:

ClinVar aggregate classification (germline): Uncertain significance (1 of 4 stars; one submission).

Conditions:
SCAPER-related disorder. Also called: SCAPER-related condition.

gnomAD v4.1: 22 of 1,565,738 alleles (0.0014%); highest among the groups gnomAD compares: Non-Finnish European, 0.0017%; no homozygotes.

Submission:

PreventionGenetics, part of Exact Sciences
Classification: Uncertain significance for SCAPER-related condition. Last evaluated: 2025-02-15. Review status: criteria provided, single submitter. Criteria: ACMG Guidelines, 2015. Collection method: clinical testing. Allele origin: germline.
Comment: The SCAPER c.2600A>G variant is predicted to result in the amino acid substitution p.Asp867Gly. To our knowledge, this variant has not been reported in the literature. This variant is reported in 0.0040% of alleles in individuals of European (Non-Finnish) descent in gnomAD. At this time, the clinical significance of this variant is uncertain due to the absence of conclusive functional and genetic evidence.

NM_020843.4(SCAPER):c.2582A>G (p.Asp861Gly)

Gene: SCAPER (S-phase cyclin A associated protein in the ER; minus strand). Cytogenetic location: 15q24.3.
Variant type: single nucleotide variant.
Coding change: c.2582A>G on transcript NM_020843.4 (MANE Select); coding-DNA position 2582, A replaced by G.
Protein change: p.Asp861Gly; replaces aspartic acid 861 with glycine.
Molecular consequence: missense variant. On other transcripts: non-coding transcript variant (1).
Genome position (GRCh38, 1-based): chr15:76,665,716, T>C on the plus strand (A>G on the coding strand, the complement: SCAPER is on the minus strand). VCF-style: chr15-76665716-T-C. GRCh37 (hg19) VCF-style: chr15-76958057-T-C.
Other names: c.1844A>G, p.Asp615Gly (NM_001145923.2); c.2600A>G, p.Asp867Gly (NM_001353009.2); c.2180A>G, p.Asp727Gly (NM_001353010.2, NM_001353012.2); c.2198A>G, p.Asp733Gly (NM_001353011.2); short protein forms D615G, D733G, D727G, D867G, D861G.
Identifiers: ClinVar variation 5000227 (VCV005000227.1).